The following is an entry in ClinVar:

NC_000017.10:g.(?_58227396)_(59938900_?)del

Genes: APPBP2 (amyloid beta precursor protein binding protein 2; minus strand), BCAS3 (BCAS3 microtubule associated cell migration factor; plus strand), BRIP1 (BRCA1 interacting DNA helicase 1; minus strand), CA4 (carbonic anhydrase 4; plus strand), CHCT1 (CHD1 helical C-terminal domain containing 1; plus strand) and 6 more. Cytogenetic location: 17q23.1-23.2.
Variant type: Deletion.
Identifiers: ClinVar variation 2424709 (VCV002424709.4).

ClinVar aggregate classification (germline): no classifications from unflagged records (0 of 4 stars; one submission).

Submission:

Labcorp Genetics (formerly Invitae), Labcorp
Classification: Uncertain significance. Last evaluated: 2022-04-19. Review status: flagged submission. Criteria: Invitae Variant Classification Sherloc (09022015). Collection method: clinical testing. Allele origin: germline.
Comment: A gross deletion of the genomic region encompassing the full coding sequence of the PPM1D gene has been identified. The current clinical and genetic evidence is not sufficient to establish whether loss-of-function variants in PPM1D cause disease. The boundaries of this event are unknown as they extend beyond the assayed region for this gene and therefore may encompass additional genes. This variant has not been reported in the literature in individuals affected with PPM1D-related conditions. In summary, the available evidence is currently insufficient to determine the role of this variant in disease. Therefore, it has been classified as a Variant of Uncertain Significance.
ClinVar note: Notes: This submission was flagged because its interpretation of this variant conflicts with the ClinGen Gene Dosage Map curation for the gene TBX4.
ClinVar note: Reason: Conflict with ClinGen Gene Dosage Map